The following is an entry in ClinVar:

ClinVar aggregate classification (germline): Pathogenic (1 of 4 stars; one submission).

Conditions:
Fabry disease. Also called: ALPHA-GALACTOSIDASE A DEFICIENCY; ANDERSON-FABRY DISEASE; CERAMIDE TRIHEXOSIDASE DEFICIENCY; GLA DEFICIENCY; HEREDITARY DYSTOPIC LIPIDOSIS; Angiokeratoma corporis diffusum. Identifiers: Orphanet 324, MedGen C0002986, MONDO:0010526, OMIM 301500, HP:0001071. Disease mechanism: Fabry disease is due to inactivating mutations in the X-linked GLA gene resulting in deficiency of the enzyme Alpha Galactosidase-A., loss of function.

Submission:

Genomenon, Inc
Classification: Pathogenic for Fabry disease. Last evaluated: 2026-09-08. Review status: criteria provided, single submitter. Criteria: Genomenon Sequence Variant Interpretation Standards - Updated. Collection method: curation. Allele origin: germline. Affected: yes.
Comment: GLA p.Lys240ArgfsTer29 (c.719del) is a frameshift variant that is predicted to introduce a premature termination codon and result in a truncated or absent protein product. This variant has been observed in at least one proband with clinical features consistent with Fabry disease (PMID:38374995;23935525). At least one functional study has demonstrated a substantial alteration in protein function relative to the wild-type (PMID:18205205). It is absent or not present at a significant frequency in gnomAD. In conclusion, we classify GLA p.Lys240ArgfsTer29 (c.719del) as a pathogenic variant.

Literature cited by the submitters: PubMed 38374995; PubMed 23935525; PubMed 18205205.

NM_000169.3(GLA):c.719del (p.Lys240fs)

Genes: GLA (galactosidase alpha; minus strand), RPL36A-HNRNPH2 (RPL36A-HNRNPH2 readthrough; plus strand). Cytogenetic location: Xq22.1.
Variant type: Deletion.
Coding change: c.719del on transcript NM_000169.3 (MANE Select); coding-DNA position 719, one base deleted (A; older notation c.719delA).
Protein change: p.Lys240fs; shifts the reading frame from lysine 240.
Molecular consequence: frameshift variant. On other transcripts: non-coding transcript variant (3), intron variant (2).
Genome position (GRCh38, 1-based): chrX:101,398,867, T deleted on the plus strand (A on the coding strand, the reverse complement: GLA is on the minus strand); the first of 3 consecutive T bases (chrX:101,398,867-101,398,869); deleting any one gives the same sequence. VCF-style (leftmost placement, unchanged base first): chrX-101398866-CT-C. GRCh37 (hg19) VCF-style: chrX-100653854-CT-C.
Other names: c.842del, p.Lys281fs (NM_001406747.1); c.719del, p.Lys240fs (NM_001406748.1); c.300+3412del (NM_001199973.2); c.177+7047del (NM_001199974.2); short protein forms K240fs, K281fs.
Identifiers: ClinVar variation 4086995 (VCV004086995.2).